The following is an entry in ClinVar:

ClinVar aggregate classification (germline): Uncertain significance. Review status: criteria provided, multiple submitters, no conflicts (2 of 4 stars). 2 submissions from 2 submitters: Uncertain significance (2). Last evaluated 2023-12-16.

Conditions:
Hereditary cancer-predisposing syndrome. Also called: Tumor predisposition; Hereditary Cancer Syndrome; Hereditary neoplastic syndrome; Neoplastic Syndromes, Hereditary. Identifiers: Orphanet 140162, MedGen C0027672, MeSH D009386, MONDO:0015356.
Rhabdoid tumor predisposition syndrome 2 (RTPS2). Identifiers: Orphanet 231108, Orphanet 69077, MedGen C2750074, MONDO:0013224, OMIM 613325.

Submissions (2):

Labcorp Genetics (formerly Invitae), Labcorp
Classification: Uncertain significance for Rhabdoid tumor predisposition syndrome 2. Last evaluated: 2023-12-16. Review status: criteria provided, single submitter. Criteria: Invitae Variant Classification Sherloc (09022015). Collection method: clinical testing. Allele origin: germline.
Comment: This variant, c.155_157del, results in the deletion of 1 amino acid(s) of the SMARCA4 protein (p.Ala52del), but otherwise preserves the integrity of the reading frame. This variant is not present in population databases (gnomAD no frequency). This variant has not been reported in the literature in individuals affected with SMARCA4-related conditions. ClinVar contains an entry for this variant (Variation ID: 2587138). Experimental studies and prediction algorithms are not available or were not evaluated, and the functional significance of this variant is currently unknown. In summary, the available evidence is currently insufficient to determine the role of this variant in disease. Therefore, it has been classified as a Variant of Uncertain Significance.

Ambry Genetics
Classification: Uncertain significance for Hereditary cancer-predisposing syndrome. Last evaluated: 2023-08-22. Review status: criteria provided, single submitter. Criteria: Ambry Variant Classification Scheme 2023. Collection method: clinical testing. Allele origin: germline.
Comment: The c.155_157delCAG variant (also known as p.A52del) is located in coding exon 1 of the SMARCA4 gene. This variant results from an in-frame CAG deletion at nucleotide positions 155 to 157. This results in the in-frame deletion of an alanine at codon 52. This amino acid position is not well conserved in available vertebrate species. In addition, the in silico prediction for this alteration is inconclusive (Choi Y et al. PLoS ONE. 2012; 7(10):e46688). Missense and in-frame variants in SMARCA4 are known to cause neurodevelopmental disorders; however, such associations with rhabdoid tumor predisposition syndrome including small cell carcinoma of the ovary-hypercalcemic type (SCCOHT) are exceedingly rare (Kosho T et al. Am J Med Genet C Semin Med Genet. 2014 Sep;166C(3):262-75; Jelinic P et al. Nat Genet. 2014 May;46(5):424-6). Since supporting evidence is limited at this time, the clinical significance of this alteration remains unclear.

NM_003072.5(SMARCA4):c.152CAG[1] (p.Ala52del)

Gene: SMARCA4 (SWI/SNF related BAF chromatin remodeling complex subunit ATPase 4; plus strand). Cytogenetic location: 19p13.2.
Variant type: Microsatellite.
Coding change: c.152CAG[1] on transcript NM_003072.5 (MANE Select); one copy of the 3-base unit CAG starting at c.152; the reference has two copies in a row; one copy, 3 bases deleted.
Protein change: p.Ala52del; deletes alanine 52.
Molecular consequence: inframe deletion. On other transcripts: non-coding transcript variant (1).
Genome position (GRCh38, 1-based): chr19:10,984,306-10,984,308, CAG deleted; deleting any 3 consecutive bases within chr19:10,984,303-10,984,308 gives the same sequence; the position shown is the placement nearest the transcript's 3' end. VCF-style (leftmost placement, unchanged base first): chr19-10984302-TCAG-T. GRCh37 (hg19) VCF-style: chr19-11094978-TCAG-T.
Other names: c.152CAG[1], p.Ala52del (NM_001128844.3, NM_001128845.2, NM_001128846.2 and 6 more transcripts); short protein forms A52del.
Identifiers: ClinVar variation 2587138 (VCV002587138.5), dbSNP rs2513937585, ClinGen allele CA2582342350.